The following is an entry in ClinVar:

NM_001354604.2(MITF):c.355-1113C>T

Genes: MITF (melanocyte inducing transcription factor; plus strand), LOC107988030 (MITF-M promoter region; plus strand). Cytogenetic location: 3p13.
Variant type: single nucleotide variant.
Coding change: c.355-1113C>T on transcript NM_001354604.2 (MANE Select); 1113 bases into the intron before coding-DNA position 355, C replaced by T.
Molecular consequence: intron variant. On other transcripts: 5 prime UTR variant (4).
Genome position (GRCh38, 1-based): chr3:69,936,709, C>T. VCF-style: chr3-69936709-C-T. GRCh37 (hg19) VCF-style: chr3-69985860-C-T.
Other names: c.-14C>T (NM_000248.4, NM_001184968.2, NM_198158.3 and 1 more transcripts); c.304-1113C>T (NM_001354607.2); c.199-1113C>T (NM_001354608.2, NM_001184967.2); c.355-1113C>T (NM_198159.3); c.352-1113C>T (NM_001354605.2, NM_001354606.2, NM_006722.3); c.307-1113C>T (NM_198177.3).
Identifiers: ClinVar variation 679027 (VCV000679027.5), dbSNP rs199515469, ClinGen allele CA2490320.
Genomic context (GRCh38, chr3:69,936,709, plus strand): 5'-ATTGGAATTATAGAAAGTAGAGGGAGGGATAGTCTACCGTCTCTCACTGGATTGGTGCCA[C>T]CTAAAACATTGTTATGCTGGAAATGCTAGAATATAATCACTATCAGGTGAGATTTATTCT-3'

ClinVar aggregate classification (germline): Benign/Likely benign. Review status: criteria provided, multiple submitters, no conflicts (2 of 4 stars). 3 submissions from 2 submitters: Benign (1); Likely benign (2). Last evaluated 2018-05-25.

Conditions:
Tietz syndrome (TADS). Also called: ALBINISM-DEAFNESS OF TIETZ; HYPOPIGMENTATION/DEAFNESS OF TIETZ; TIETZ ALBINISM-DEAFNESS SYNDROME. Identifiers: Orphanet 42665, MedGen C0391816, MONDO:0007077, OMIM 103500.
Waardenburg syndrome type 2A (WS2A). Also called: WAARDENBURG SYNDROME WITHOUT DYSTOPIA CANTHORUM. Identifiers: Orphanet 3440, MedGen C1860339, MONDO:0008671, OMIM 193510.

Allele frequency attached by ClinVar (database versions not stated): ExAC 0.00035; gnomAD exomes 0.00041; TOPMed 0.00044; gnomAD 0.00046; ESP Exome Variant Server 0.00062.
gnomAD v4.1: 1,202 of 1,613,378 alleles (0.075%); highest among the groups gnomAD compares: Non-Finnish European, 0.093%; 1 homozygote.

Submissions (3):

GeneDx
Classification: Likely benign. Last evaluated: 2018-05-25. Review status: criteria provided, single submitter. Criteria: GeneDx Variant Classification (06012015). Collection method: clinical testing. Allele origin: germline. Affected: yes.
Comment: This variant is considered likely benign or benign based on one or more of the following criteria: it is a conservative change, it occurs at a poorly conserved position in the protein, it is predicted to be benign by multiple in silico algorithms, and/or has population frequency not consistent with disease.

Illumina Laboratory Services, Illumina
Classification: Likely benign for Waardenburg syndrome type 2A. Last evaluated: 2018-01-13. Review status: criteria provided, single submitter. Criteria: ICSL Variant Classification Criteria 13 December 2019. Collection method: clinical testing. Allele origin: germline.
Comment: This variant was observed in the ICSL laboratory as part of a predisposition screen in an ostensibly healthy population. It had not been previously curated by ICSL or reported in the Human Gene Mutation Database (HGMD: prior to June 1st, 2018), and was therefore a candidate for classification through an automated scoring system. Utilizing variant allele frequency, disease prevalence and penetrance estimates, and inheritance mode, an automated score was calculated to assess if this variant is too frequent to cause the disease. Based on the score and internal cut-off values, a variant classified as likely benign is not then subjected to further curation. The score for this variant resulted in a classification of likely benign for this disease.

Illumina Laboratory Services, Illumina
Classification: Benign for Tietz syndrome. Last evaluated: 2018-01-13. Review status: criteria provided, single submitter. Criteria: ICSL Variant Classification Criteria 13 December 2019. Collection method: clinical testing. Allele origin: germline.
Comment: This variant was observed in the ICSL laboratory as part of a predisposition screen in an ostensibly healthy population. It had not been previously curated by ICSL or reported in the Human Gene Mutation Database (HGMD: prior to June 1st, 2018), and was therefore a candidate for classification through an automated scoring system. Utilizing variant allele frequency, disease prevalence and penetrance estimates, and inheritance mode, an automated score was calculated to assess if this variant is too frequent to cause the disease. Based on the score and internal cut-off values, a variant classified as benign is not then subjected to further curation. The score for this variant resulted in a classification of benign for this disease.